The following is an entry in ClinVar:

NM_001042492.3(NF1):c.2901A>G (p.Ile967Met)

Gene: NF1 (neurofibromin 1; plus strand). Cytogenetic location: 17q11.2.
Variant type: single nucleotide variant.
Coding change: c.2901A>G on transcript NM_001042492.3 (MANE Select); coding-DNA position 2901, A replaced by G.
Protein change: p.Ile967Met; replaces isoleucine 967 with methionine.
Molecular consequence: missense variant.
Genome position (GRCh38, 1-based): chr17:31,229,885, A>G. VCF-style: chr17-31229885-A-G. GRCh37 (hg19) VCF-style: chr17-29556903-A-G.
Other names: c.2901A>G, p.Ile967Met (NM_000267.4); short protein forms I967M.
Identifiers: ClinVar variation 1434443 (VCV001434443.8), dbSNP rs2151430624, ClinGen allele CA398986127.
Genomic context (GRCh38, chr17:31,229,885, plus strand): 5'-CTTTCTTTAGGTTTTATTGACTGATACCAATACTCAATTTGTAGAACAAACCATAGCTAT[A>G]ATGAAGAACTTGCTAGATAATCATACTGAAGGCAGCTCTGAACATCTAGGGCAAGCTAGC-3'
Protein context (NP_001035957.1, residues 957-977): NTQFVEQTIA[Ile967Met]MKNLLDNHTE

ClinVar aggregate classification (germline): Uncertain significance. Review status: criteria provided, multiple submitters, no conflicts (2 of 4 stars). 2 submissions from 2 submitters: Uncertain significance (2). Last evaluated 2021-08-22.

Conditions:
Cardiovascular phenotype. Identifiers: MedGen CN230736.
Hereditary cancer-predisposing syndrome. Also called: Neoplastic Syndromes, Hereditary; Hereditary Cancer Syndrome; Tumor predisposition; Hereditary neoplastic syndrome. Identifiers: Orphanet 140162, MedGen C0027672, MeSH D009386, MONDO:0015356.
Neurofibromatosis, type 1 (NF1). Also called: Peripheral type neurofibromatosis; VON RECKLINGHAUSEN DISEASE; NEUROFIBROMATOSIS, TYPE I, SOMATIC; Neurofibromatosis, type I. Identifiers: Orphanet 636, MedGen C0027831, MONDO:0018975, OMIM 162200. Disease mechanism: loss of function.

gnomAD v4.1: 1 of 1,611,856 alleles (0.000062%); highest among the groups gnomAD compares: Non-Finnish European, 0.000085%; no homozygotes.

Submissions (2):

Labcorp Genetics (formerly Invitae), Labcorp
Classification: Uncertain significance for Neurofibromatosis, type 1. Last evaluated: 2021-08-22. Review status: criteria provided, single submitter. Criteria: Invitae Variant Classification Sherloc (09022015). Collection method: clinical testing. Allele origin: germline.
Comment: In summary, the available evidence is currently insufficient to determine the role of this variant in disease. Therefore, it has been classified as a Variant of Uncertain Significance. Algorithms developed to predict the effect of missense changes on protein structure and function are either unavailable or do not agree on the potential impact of this missense change (SIFT: "Deleterious"; PolyPhen-2: "Probably Damaging"; Align-GVGD: "Class C0"). This variant has not been reported in the literature in individuals affected with NF1-related conditions. This variant is not present in population databases (ExAC no frequency). This sequence change replaces isoleucine with methionine at codon 967 of the NF1 protein (p.Ile967Met). The isoleucine residue is moderately conserved and there is a small physicochemical difference between isoleucine and methionine.

Ambry Genetics
Classification: Uncertain significance for Cardiovascular phenotype; Hereditary cancer-predisposing syndrome. Last evaluated: 2017-10-06. Review status: criteria provided, single submitter. Criteria: Ambry Variant Classification Scheme 2023. Collection method: clinical testing. Allele origin: germline.
Comment: The p.I967M variant (also known as c.2901A>G), located in coding exon 22 of the NF1 gene, results from an A to G substitution at nucleotide position 2901. The isoleucine at codon 967 is replaced by methionine, an amino acid with highly similar properties. This amino acid position is highly conserved in available vertebrate species. In addition, this alteration is predicted to be deleterious by in silico analysis. Since supporting evidence is limited at this time, the clinical significance of this alteration remains unclear.